The following is an entry in ClinVar:

ClinVar aggregate classification (germline): Uncertain significance. Review status: criteria provided, multiple submitters, no conflicts (2 of 4 stars). 2 submissions from 2 submitters: Uncertain significance (2). Last evaluated 2024-04-24.

gnomAD v4.1: 1 of 1,537,006 alleles (0.000065%); highest among the groups gnomAD compares: Admixed American, 0.002%; no homozygotes.

Submissions (2):

GeneDx
Classification: Uncertain significance. Last evaluated: 2024-04-24. Review status: criteria provided, single submitter. Criteria: GeneDx Variant Classification Process June 2021. Collection method: clinical testing. Allele origin: germline. Affected: yes.
Comment: Not observed at significant frequency in large population cohorts (gnomAD); In silico analysis indicates that this missense variant does not alter protein structure/function; Has not been previously published as pathogenic or benign to our knowledge

Labcorp Genetics (formerly Invitae), Labcorp
Classification: Uncertain significance. Last evaluated: 2023-01-15. Review status: criteria provided, single submitter. Criteria: Invitae Variant Classification Sherloc (09022015). Collection method: clinical testing. Allele origin: germline.
Comment: Algorithms developed to predict the effect of missense changes on protein structure and function output the following: SIFT: "Not Available"; PolyPhen-2: "Not Available"; Align-GVGD: "Not Available". The serine amino acid residue is found in multiple mammalian species, which suggests that this missense change does not adversely affect protein function. This variant has not been reported in the literature in individuals affected with MAGEL2-related conditions. This variant is present in population databases (no rsID available, gnomAD 0.004%). This sequence change replaces proline, which is neutral and non-polar, with serine, which is neutral and polar, at codon 242 of the MAGEL2 protein (p.Pro242Ser). In summary, the available evidence is currently insufficient to determine the role of this variant in disease. Therefore, it has been classified as a Variant of Uncertain Significance.

NM_019066.5(MAGEL2):c.724C>T (p.Pro242Ser)

Gene: MAGEL2 (MAGE family member L2; minus strand). Cytogenetic location: 15q11.2.
Variant type: single nucleotide variant.
Coding change: c.724C>T on transcript NM_019066.5 (MANE Select); coding-DNA position 724, C replaced by T.
Protein change: p.Pro242Ser; replaces proline 242 with serine.
Molecular consequence: missense variant.
Genome position (GRCh38, 1-based): chr15:23,647,019, G>A on the plus strand (C>T on the coding strand, the complement: MAGEL2 is on the minus strand). VCF-style: chr15-23647019-G-A. GRCh37 (hg19) VCF-style: chr15-23892166-G-A.
Other names: c.724C>T (NM_019066.4); short protein forms P242S.
Identifiers: ClinVar variation 2903717 (VCV002903717.4), dbSNP rs1338168357, ClinGen allele CA391336646.